The following is an entry in ClinVar:

NM_000540.3(RYR1):c.11712A>G (p.Thr3904=)

Gene: RYR1 (ryanodine receptor 1; plus strand). Cytogenetic location: 19q13.2.
Variant type: single nucleotide variant.
Coding change: c.11712A>G on transcript NM_000540.3 (MANE Select); coding-DNA position 11712, A replaced by G.
Protein change: p.Thr3904=; no amino-acid change (threonine 3904 retained).
Molecular consequence: synonymous variant.
Genome position (GRCh38, 1-based): chr19:38,543,369, A>G. VCF-style: chr19-38543369-A-G. GRCh37 (hg19) VCF-style: chr19-39034009-A-G.
Other names: c.11697A>G, p.Thr3899= (NM_001042723.2).
Identifiers: ClinVar variation 699215 (VCV000699215.8), dbSNP rs199855195, ClinGen allele CA057538.

ClinVar aggregate classification (germline): Likely benign. Review status: criteria provided, multiple submitters, no conflicts (2 of 4 stars). 2 submissions from 2 submitters: Likely benign (2). Last evaluated 2025-07-19.

Conditions:
RYR1-related disorder. Also called: RYR1-related condition; RYR1-related disorders. Identifiers: MedGen CN239331.
Malignant hyperthermia, susceptibility to, 1 (MHS1). Also called: Anesthesia related hyperthermia; Malignant hyperpyrexia; Fulminating hyperpyrexia; Pharmacogenic myopathy; Malignant hyperthermia suceptibility 1; RYR1-Related Malignant Hyperthermia Susceptibility. Identifiers: Orphanet 423, MedGen C2930980, MONDO:0007783, OMIM 145600.

Allele frequency attached by ClinVar (database versions not stated): gnomAD exomes below 0.00001 and 0.00001; ExAC 0.00001; gnomAD 0.00001.
gnomAD v4.1: 15 of 1,614,114 alleles (0.00093%); highest among the groups gnomAD compares: African/African-American, 0.0013%; no homozygotes.

Submissions (2):

Labcorp Genetics (formerly Invitae), Labcorp
Classification: Likely benign for RYR1-related disorder. Last evaluated: 2025-07-19. Review status: criteria provided, single submitter. Criteria: Invitae Variant Classification Sherloc (09022015). Collection method: clinical testing. Allele origin: germline.

All of Us Research Program, National Institutes of Health
Classification: Likely benign for Malignant hyperthermia, susceptibility to, 1. Last evaluated: 2023-08-15. Review status: criteria provided, single submitter. Criteria: ACMG Guidelines, 2015. Collection method: clinical testing. Allele origin: germline. Inheritance: Autosomal dominant inheritance. Observed: 2 variant alleles, 2 heterozygotes.
Comment: This study involves interpretation of variants in research participants for the purpose of population health screening. Participant phenotype was not available at the time of variant classification. Additional details can be found in publication PMID: 35346344, PMCID: PMC8962531